The following is an entry in ClinVar:

NM_001012426.2(FOXP4):c.814dup (p.Leu272fs)

Gene: FOXP4 (forkhead box P4; plus strand). Cytogenetic location: 6p21.1.
Variant type: Duplication.
Coding change: c.814dup on transcript NM_001012426.2 (MANE Select); coding-DNA position 814, one base duplicated (C; older notation c.814dupC).
Protein change: p.Leu272fs; shifts the reading frame from leucine 272.
Molecular consequence: frameshift variant.
Genome position (GRCh38, 1-based): chr6:41,587,454, C duplicated; the last of 7 consecutive C bases (chr6:41,587,448-41,587,454); duplicating any one gives the same sequence. VCF-style (leftmost placement, unchanged base first): chr6-41587447-A-AC. GRCh37 (hg19) VCF-style: chr6-41555185-A-AC.
Other names: c.808dup, p.Leu270fs (NM_001012427.2); c.814dup, p.Leu272fs (NM_001405824.1); c.718dup, p.Leu240fs (NM_001405825.1, NM_001405826.1); c.811dup, p.Leu271fs (NM_138457.3); short protein forms L240fs, L270fs, L271fs, L272fs.
Identifiers: ClinVar variation 4686169 (VCV004686169.2).

ClinVar aggregate classification (germline): Uncertain significance (1 of 4 stars; one submission).

Submission:

GeneDx
Classification: Uncertain significance. Last evaluated: 2026-10-03. Review status: criteria provided, single submitter. Criteria: GeneDx Variant Classification Process June 2021. Collection method: clinical testing. Allele origin: germline.
Comment: Frameshift variant predicted to result in protein truncation or nonsense mediated decay in a gene for which loss of function is a known mechanism of disease; Has not been previously published as pathogenic or benign to our knowledge